The following is an entry in ClinVar:

ClinVar aggregate classification (germline): Uncertain significance (1 of 4 stars; one submission).

Conditions:
Primary ciliary dyskinesia. Also called: Ciliary dyskinesia. Identifiers: Orphanet 244, MedGen C0008780, MONDO:0016575, HP:0012265.

gnomAD v4.1: 3 of 1,613,962 alleles (0.00019%); highest among the groups gnomAD compares: African/African-American, 0.004%; no homozygotes.

Submission:

Ambry Genetics
Classification: Uncertain significance for Primary ciliary dyskinesia. Last evaluated: 2025-04-20. Review status: criteria provided, single submitter. Criteria: Ambry Variant Classification Scheme 2023. Collection method: clinical testing. Allele origin: germline.
Comment: The p.N220S variant (also known as c.659A>G), located in coding exon 8 of the DNAI1 gene, results from an A to G substitution at nucleotide position 659. The asparagine at codon 220 is replaced by serine, an amino acid with highly similar properties. This amino acid position is conserved. In addition, this alteration is predicted to be tolerated by in silico analysis. Based on the available evidence, the clinical significance of this variant remains unclear.

NM_012144.4(DNAI1):c.659A>G (p.Asn220Ser)

Gene: DNAI1 (dynein axonemal intermediate chain 1; plus strand). Cytogenetic location: 9p13.3.
Variant type: single nucleotide variant.
Coding change: c.659A>G on transcript NM_012144.4 (MANE Select); coding-DNA position 659, A replaced by G.
Protein change: p.Asn220Ser; replaces asparagine 220 with serine.
Molecular consequence: missense variant.
Genome position (GRCh38, 1-based): chr9:34,491,532, A>G. VCF-style: chr9-34491532-A-G. GRCh37 (hg19) VCF-style: chr9-34491530-A-G.
Other names: c.671A>G, p.Asn224Ser (NM_001281428.2); short protein forms N220S, N224S.
Identifiers: ClinVar variation 4013404 (VCV004013404.1).
Genomic context (GRCh38, chr9:34,491,532, plus strand): 5'-TCTCCTGTTGTCTTGTTCTTTAGGATCGAGAATGCCAGACGGAGCCTCCTCCCAGGACAA[A>G]CTTTTCAGCCACAGCCAATCAGGTAAGACCCTGGGCCAGCCTGAAACCTCTTACCACCCA-3'
Protein context (NP_036276.1, residues 210-230): ECQTEPPPRT[Asn220Ser]FSATANQWEI